The following is an entry in ClinVar:

NM_001129.5(AEBP1):c.2037+1G>A

Gene: AEBP1 (AE binding protein 1; plus strand). Cytogenetic location: 7p13.
Variant type: single nucleotide variant.
Coding change: c.2037+1G>A on transcript NM_001129.5 (MANE Select); the canonical splice donor site of the intron after coding-DNA position 2037, G replaced by A.
Molecular consequence: splice donor variant.
Genome position (GRCh38, 1-based): chr7:44,112,051, G>A. VCF-style: chr7-44112051-G-A. GRCh37 (hg19) VCF-style: chr7-44151650-G-A.
Identifiers: ClinVar variation 2065068 (VCV002065068.2), dbSNP rs752899698, ClinGen allele CA4238081.
Genomic context (GRCh38, chr7:44,112,051, plus strand): 5'-ACACGCATCCACCTGGTGCCCTCACTGAACCCTGATGGCTACGAGGTGGCAGCGCAGATG[G>A]TGGGTTGAAGGGTGAGGCTGGCCAGGGTCCAGGCAGCTGGGGGTTGTGGGGGTGTGGGTA-3'

ClinVar aggregate classification (germline): Likely pathogenic (1 of 4 stars; one submission).

Allele frequency attached by ClinVar (database versions not stated): gnomAD 0.00001; gnomAD exomes 0.00001; ExAC 0.00002.
gnomAD v4.1: 19 of 1,612,434 alleles (0.0012%); highest among the groups gnomAD compares: Non-Finnish European, 0.0016%; no homozygotes.

Submission:

Labcorp Genetics (formerly Invitae), Labcorp
Classification: Likely pathogenic. Last evaluated: 2023-11-07. Review status: criteria provided, single submitter. Criteria: Invitae Variant Classification Sherloc (09022015). Collection method: clinical testing. Allele origin: germline.
Comment: This sequence change affects a donor splice site in intron 16 of the AEBP1 gene. It is expected to disrupt RNA splicing. Variants that disrupt the donor or acceptor splice site typically lead to a loss of protein function (PMID: 16199547), and loss-of-function variants in AEBP1 are known to be pathogenic (PMID: 29606302). This variant is present in population databases (rs752899698, gnomAD 0.002%). This variant has not been reported in the literature in individuals affected with AEBP1-related conditions. ClinVar contains an entry for this variant (Variation ID: 2065068). Algorithms developed to predict the effect of sequence changes on RNA splicing suggest that this variant may disrupt the consensus splice site. In summary, the currently available evidence indicates that the variant is pathogenic, but additional data are needed to prove that conclusively. Therefore, this variant has been classified as Likely Pathogenic.

Literature cited by the submitters: PubMed 16199547; PubMed 29606302.